The following is an entry in ClinVar:

ClinVar aggregate classification (germline): Uncertain significance (1 of 4 stars; one submission).

Conditions:
Aortic aneurysm, familial thoracic 4 (AAT4). Also called: AORTIC ANEURYSM/AORTIC DISSECTION AND PATENT DUCTUS ARTERIOSUS. Identifiers: MedGen C1851504, MONDO:0007568, OMIM 132900.

Submission:

Labcorp Genetics (formerly Invitae), Labcorp
Classification: Uncertain significance for Aortic aneurysm, familial thoracic 4. Last evaluated: 2024-01-24. Review status: criteria provided, single submitter. Criteria: Invitae Variant Classification Sherloc (09022015). Collection method: clinical testing. Allele origin: germline.
Comment: This sequence change falls in intron 34 of the MYH11 gene. It does not directly change the encoded amino acid sequence of the MYH11 protein. Information on the frequency of this variant in the gnomAD database is not available, as this variant may be reported differently in the database. This variant has not been reported in the literature in individuals affected with MYH11-related conditions. Experimental studies and prediction algorithms are not available or were not evaluated, and the effect of this variant on mRNA splicing is currently unknown. In summary, the available evidence is currently insufficient to determine the role of this variant in disease. Therefore, it has been classified as a Variant of Uncertain Significance.

NM_002474.3(MYH11):c.4791+16_4791+17delinsAG

Genes: MYH11 (myosin heavy chain 11; minus strand), NDE1 (nudE neurodevelopment protein 1; plus strand). Cytogenetic location: 16p13.11.
Variant type: Indel.
Coding change: c.4791+16_4791+17delinsAG on transcript NM_002474.3 (MANE Select); bases 16 to 17 of the intron after coding-DNA position 4791, GA replaced by AG.
Molecular consequence: intron variant.
Genome position (GRCh38, 1-based): chr16:15,720,822-15,720,823, TC replaced by CT on the plus strand (GA replaced by AG on the coding strand, the reverse complement: MYH11 is on the minus strand). VCF-style: chr16-15720822-TC-CT. GRCh37 (hg19) VCF-style: chr16-15814679-TC-CT.
Other names: c.948-3369_948-3368delinsCT (NM_001143979.2, NM_017668.3); c.4791+16_4791+17delinsAG (NM_022844.3); c.4812+16_4812+17delinsAG (NM_001040114.2, NM_001040113.2).
Identifiers: ClinVar variation 2729769 (VCV002729769.1), dbSNP rs2506119689, ClinGen allele CA2697551997.